The following is an entry in ClinVar:

ClinVar aggregate classification (germline): Uncertain significance (1 of 4 stars; one submission).

Submission:

GeneDx
Classification: Uncertain significance. Last evaluated: 2022-03-16. Review status: criteria provided, single submitter. Criteria: GeneDx Variant Classification Process June 2021. Collection method: clinical testing. Allele origin: germline. Affected: yes.
Comment: Not observed at significant frequency in large population cohorts (gnomAD); In silico analysis supports that this variant does not alter protein structure/function; Has not been previously published as pathogenic or benign to our knowledge

NM_001374828.1(ARID1B):c.2126_2127delinsGC (p.Gln709Arg)

Gene: ARID1B (AT-rich interaction domain 1B; plus strand). Cytogenetic location: 6q25.3.
Variant type: Indel.
Coding change: c.2126_2127delinsGC on transcript NM_001374828.1 (MANE Select); coding-DNA positions 2126 to 2127, AG replaced by GC.
Protein change: p.Gln709Arg; replaces glutamine 709 with arginine.
Molecular consequence: missense variant.
Genome position (GRCh38, 1-based): chr6:156,901,515-156,901,516, AG replaced by GC. VCF-style: chr6-156901515-AG-GC. GRCh37 (hg19) VCF-style: chr6-157222649-AG-GC.
Other names: c.1916_1917delinsGC (NM_020732.3); c.2165_2166delinsGC, p.Gln722Arg (NM_001371656.1, NM_001374820.1); c.2126_2127delinsGC, p.Gln709Arg (NM_017519.3); short protein forms Q709R, Q722R.
Identifiers: ClinVar variation 1706377 (VCV001706377.2), dbSNP rs2534827534, ClinGen allele CA2580075253.